The following is an entry in ClinVar:

ClinVar aggregate classification (germline): Uncertain significance (1 of 4 stars; one submission).

Conditions:
3-hydroxyisobutyryl-CoA hydrolase deficiency. Also called: HIBCH DEFICIENCY; METHACRYLIC ACID TOXICITY; METHACRYLIC ACIDURIA; Reduced circulating 3-hydroxyisobutyryl-CoA hydrolase activity; Deficiency of 3-hydroxyisobutyryl CoA hydrolase; VALINE METABOLIC DEFECT. Identifiers: Orphanet 88639, MedGen C0342738, MONDO:0009603, OMIM 250620, HP:6000215.

Allele frequency attached by ClinVar (database versions not stated): gnomAD exomes 0.00001; ExAC 0.00002; TOPMed 0.00002; gnomAD 0.00003.
gnomAD v4.1: 11 of 1,604,162 alleles (0.00069%); highest among the groups gnomAD compares: East Asian, 0.0045%; no homozygotes.

Submission:

Labcorp Genetics (formerly Invitae), Labcorp
Classification: Uncertain significance for 3-hydroxyisobutyryl-CoA hydrolase deficiency. Last evaluated: 2022-02-21. Review status: criteria provided, single submitter. Criteria: Invitae Variant Classification Sherloc (09022015). Collection method: clinical testing. Allele origin: germline.
Comment: This variant has not been reported in the literature in individuals affected with HIBCH-related conditions. Advanced modeling of protein sequence and biophysical properties (such as structural, functional, and spatial information, amino acid conservation, physicochemical variation, residue mobility, and thermodynamic stability) performed at Invitae indicates that this missense variant is expected to disrupt HIBCH protein function. In summary, the available evidence is currently insufficient to determine the role of this variant in disease. Therefore, it has been classified as a Variant of Uncertain Significance. This variant is present in population databases (rs768695844, gnomAD 0.01%). This sequence change replaces glycine, which is neutral and non-polar, with glutamic acid, which is acidic and polar, at codon 380 of the HIBCH protein (p.Gly380Glu).

NM_014362.4(HIBCH):c.1139G>A (p.Gly380Glu)

Gene: HIBCH (3-hydroxyisobutyryl-CoA hydrolase; minus strand). Cytogenetic location: 2q32.2.
Variant type: single nucleotide variant.
Coding change: c.1139G>A on transcript NM_014362.4 (MANE Select); coding-DNA position 1139, G replaced by A.
Protein change: p.Gly380Glu; replaces glycine 380 with glutamic acid.
Molecular consequence: missense variant. On other transcripts: 3 prime UTR variant (1).
Genome position (GRCh38, 1-based): chr2:190,205,139, C>T on the plus strand (G>A on the coding strand, the complement: HIBCH is on the minus strand). VCF-style: chr2-190205139-C-T. GRCh37 (hg19) VCF-style: chr2-191069865-C-T.
Other names: c.*88G>A (NM_198047.3); short protein forms G380E.
Identifiers: ClinVar variation 2101197 (VCV002101197.4), dbSNP rs768695844, ClinGen allele CA2027337.